The following is an entry in ClinVar:

NM_001365276.2(TNXB):c.6404G>A (p.Arg2135Gln)

Gene: TNXB (tenascin XB; minus strand). Cytogenetic location: 6p21.33.
Variant type: single nucleotide variant.
Coding change: c.6404G>A on transcript NM_001365276.2 (MANE Select); coding-DNA position 6404, G replaced by A.
Protein change: p.Arg2135Gln; replaces arginine 2135 with glutamine.
Molecular consequence: missense variant.
Genome position (GRCh38, 1-based): chr6:32,067,801, C>T on the plus strand (G>A on the coding strand, the complement: TNXB is on the minus strand). VCF-style: chr6-32067801-C-T. GRCh37 (hg19) VCF-style: chr6-32035578-C-T.
Other names: c.6404G>A, p.Arg2135Gln (NM_019105.8); short protein forms R2135Q.
Identifiers: ClinVar variation 1753349 (VCV001753349.9), dbSNP rs758265554, ClinGen allele CA3734442.

ClinVar aggregate classification (germline): Conflicting classifications of pathogenicity. Review status: criteria provided, conflicting classifications (1 of 4 stars). 2 submissions from 2 submitters: Uncertain significance (1); Likely benign (1). Last evaluated 2026-08-01.

Conditions:
Cardiovascular phenotype. Identifiers: MedGen CN230736.

Allele frequency attached by ClinVar (database versions not stated): gnomAD 0.00001; gnomAD exomes 0.00001; ExAC 0.00002; TOPMed 0.00002.
gnomAD v4.1: 17 of 1,613,262 alleles (0.0011%); highest among the groups gnomAD compares: South Asian, 0.0022%; no homozygotes.

Submissions (2):

CeGaT Center for Human Genetics Tuebingen
Classification: Uncertain significance. Last evaluated: 2026-08-01. Review status: criteria provided, single submitter. Criteria: CeGaT Center For Human Genetics Tuebingen Variant Classification Criteria Version 2. Collection method: clinical testing. Allele origin: germline. Affected: yes. Observed: 4 variant alleles.
Comment: TNXB: PM2, BP4

Ambry Genetics
Classification: Likely benign for Cardiovascular phenotype. Last evaluated: 2025-06-13. Review status: criteria provided, single submitter. Criteria: Ambry Variant Classification Scheme 2023. Collection method: clinical testing. Allele origin: germline.